The following is an entry in ClinVar:

NM_004415.4(DSP):c.160del (p.Asp54fs)

Genes: DSP (desmoplakin; plus strand), DSP-AS1 (DSP antisense RNA 1; minus strand). Cytogenetic location: 6p24.3.
Variant type: Deletion.
Coding change: c.160del on transcript NM_004415.4 (MANE Select); coding-DNA position 160, one base deleted (G; older notation c.160delG).
Protein change: p.Asp54fs; shifts the reading frame from aspartic acid 54.
Molecular consequence: frameshift variant.
Genome position (GRCh38, 1-based): chr6:7,542,075, G deleted; the last of 2 consecutive G bases (chr6:7,542,074-7,542,075); deleting either gives the same sequence. VCF-style (leftmost placement, unchanged base first): chr6-7542073-CG-C. GRCh37 (hg19) VCF-style: chr6-7542306-CG-C.
Other names: c.160del, p.Asp54fs (NM_001008844.3, NM_001319034.2, NM_001406591.1); short protein forms D54fs.
Identifiers: ClinVar variation 3505493 (VCV003505493.1).

ClinVar aggregate classification (germline): Pathogenic (1 of 4 stars; one submission).

Conditions:
Cardiovascular phenotype. Identifiers: MedGen CN230736.

Submission:

Ambry Genetics
Classification: Pathogenic for Cardiovascular phenotype. Last evaluated: 2024-09-30. Review status: criteria provided, single submitter. Criteria: Ambry Variant Classification Scheme 2023. Collection method: clinical testing. Allele origin: germline.
Comment: The c.160delG pathogenic mutation, located in coding exon 1 of the DSP gene, results from a deletion of one nucleotide at nucleotide position 160, causing a translational frameshift with a predicted alternate stop codon (p.D54Tfs*29). Alterations in DSP that result in haploinsufficiency or protein truncation have been reported in patients with arrhythmogenic right ventricular cardiomyopathy (ARVC) and dilated cardiomyopathy (DCM) (Fressart V et al. Europace.2010;12(6):861-8; Elliott P et al. Circ Cardiovasc Genet. 2010;3(4):314-22; Quarta G et al. Circulation. 2011;123(23):2701-9; Garcia-Pavia P et al. Heart. 2011;97(21):1744-52; Rasmussen TB et al. Clin Genet.2013;84(1):20-30; Pugh TJ et al.Genet Med.2014;16(8):601-8). This alteration is expected to result in loss of function by premature protein truncation or nonsense-mediated mRNA decay. This variant is considered to be rare based on population cohorts in the Genome Aggregation Database (gnomAD). As such, this alteration is interpreted as a disease-causing mutation.